The following is an entry in ClinVar:

NM_182493.3(MYLK3):c.208T>C (p.Ser70Pro)

Gene: MYLK3 (myosin light chain kinase 3; minus strand). Cytogenetic location: 16q11.2.
Variant type: single nucleotide variant.
Coding change: c.208T>C on transcript NM_182493.3 (MANE Select); coding-DNA position 208, T replaced by C.
Protein change: p.Ser70Pro; replaces serine 70 with proline.
Molecular consequence: missense variant. On other transcripts: intron variant (1).
Genome position (GRCh38, 1-based): chr16:46,747,986, A>G on the plus strand (T>C on the coding strand, the complement: MYLK3 is on the minus strand). VCF-style: chr16-46747986-A-G. GRCh37 (hg19) VCF-style: chr16-46781898-A-G.
Other names: c.-113-7839T>C (NM_001308301.1); short protein forms S70P.
Identifiers: ClinVar variation 3702245 (VCV003702245.2).

ClinVar aggregate classification (germline): Uncertain significance (1 of 4 stars; one submission).

Submission:

Labcorp Genetics (formerly Invitae), Labcorp
Classification: Uncertain significance. Last evaluated: 2024-05-13. Review status: criteria provided, single submitter. Criteria: Invitae Variant Classification Sherloc (09022015). Collection method: clinical testing. Allele origin: germline.
Comment: This sequence change replaces serine, which is neutral and polar, with proline, which is neutral and non-polar, at codon 70 of the MYLK3 protein (p.Ser70Pro). This variant is not present in population databases (gnomAD no frequency). This variant has not been reported in the literature in individuals affected with MYLK3-related conditions. An algorithm developed to predict the effect of missense changes on protein structure and function (PolyPhen-2) suggests that this variant is likely to be disruptive. In summary, the available evidence is currently insufficient to determine the role of this variant in disease. Therefore, it has been classified as a Variant of Uncertain Significance.